The following is an entry in ClinVar:

ClinVar aggregate classification (germline): Uncertain significance. Review status: criteria provided, multiple submitters, no conflicts (2 of 4 stars). 2 submissions from 2 submitters: Uncertain significance (2). Last evaluated 2025-11-05.

Conditions:
Hereditary cancer-predisposing syndrome. Also called: Hereditary Cancer Syndrome; Hereditary neoplastic syndrome; Neoplastic Syndromes, Hereditary; Tumor predisposition. Identifiers: Orphanet 140162, MedGen C0027672, MeSH D009386, MONDO:0015356.

Submissions (2):

Labcorp Genetics (formerly Invitae), Labcorp
Classification: Uncertain significance. Last evaluated: 2025-11-05. Review status: criteria provided, single submitter. Criteria: Invitae Variant Classification Sherloc (09022015). Collection method: clinical testing. Allele origin: germline.
Comment: This sequence change replaces leucine, which is neutral and non-polar, with valine, which is neutral and non-polar, at codon 218 of the FH protein (p.Leu218Val). This variant is not present in population databases (gnomAD no frequency). This variant has not been reported in the literature in individuals affected with FH-related conditions. ClinVar contains an entry for this variant (Variation ID: 4257336). Invitae Evidence Modeling of protein sequence and biophysical properties (such as structural, functional, and spatial information, amino acid conservation, physicochemical variation, residue mobility, and thermodynamic stability) indicates that this missense variant is expected to disrupt FH protein function with a positive predictive value of 80%. This variant disrupts the p.Leu218 amino acid residue in FH. Other variant(s) that disrupt this residue have been determined to be pathogenic (internal data). This suggests that this residue is clinically significant, and that variants that disrupt this residue are likely to be disease-causing. In summary, the available evidence is currently insufficient to determine the role of this variant in disease. Therefore, it has been classified as a Variant of Uncertain Significance.

Ambry Genetics
Classification: Uncertain significance for Hereditary cancer-predisposing syndrome. Last evaluated: 2025-06-23. Review status: criteria provided, single submitter. Criteria: Ambry Variant Classification Scheme 2023. Collection method: clinical testing. Allele origin: germline.
Comment: The p.L218V variant (also known as c.652C>G), located in coding exon 5 of the FH gene, results from a C to G substitution at nucleotide position 652. The leucine at codon 218 is replaced by valine, an amino acid with highly similar properties. This amino acid position is highly conserved in available vertebrate species. In addition, this alteration is predicted to be deleterious by in silico analysis. Based on the available evidence, the clinical significance of this variant remains unclear.

NM_000143.4(FH):c.652C>G (p.Leu218Val)

Gene: FH (fumarate hydratase; minus strand). Cytogenetic location: 1q43.
Variant type: single nucleotide variant.
Coding change: c.652C>G on transcript NM_000143.4 (MANE Select); coding-DNA position 652, C replaced by G.
Protein change: p.Leu218Val; replaces leucine 218 with valine.
Molecular consequence: missense variant.
Genome position (GRCh38, 1-based): chr1:241,508,689, G>C on the plus strand (C>G on the coding strand, the complement: FH is on the minus strand). VCF-style: chr1-241508689-G-C. GRCh37 (hg19) VCF-style: chr1-241671989-G-C.
Other names: short protein forms L218V.
Identifiers: ClinVar variation 4257336 (VCV004257336.2).